The following is an entry in ClinVar:

NM_152564.5(VPS13B):c.7135del (p.Cys2379fs)

Gene: VPS13B (vacuolar protein sorting 13 homolog B; plus strand). Cytogenetic location: 8q22.2.
Variant type: Deletion.
Coding change: c.7135del on transcript NM_152564.5 (MANE Select); coding-DNA position 7135, one base deleted (T; older notation c.7135delT).
Protein change: p.Cys2379fs; shifts the reading frame from cysteine 2379.
Molecular consequence: frameshift variant.
Genome position (GRCh38, 1-based): chr8:99,766,858, T deleted; the last of 3 consecutive T bases (chr8:99,766,856-99,766,858); deleting any one gives the same sequence. VCF-style (leftmost placement, unchanged base first): chr8-99766855-GT-G. GRCh37 (hg19) VCF-style: chr8-100779083-GT-G.
Other names: c.7210del, p.Cys2404fs (NM_017890.5); short protein forms C2379fs, C2404fs.
Identifiers: ClinVar variation 1458830 (VCV001458830.6), dbSNP rs2130621458, ClinGen allele CA2573143628.

ClinVar aggregate classification (germline): Pathogenic (1 of 4 stars; one submission).

Conditions:
Cohen syndrome (COH1). Also called: PEPPER SYNDROME; Cutis verticis gyrata, retinitis pigmentosa, and sensorineural deafness. Identifiers: Orphanet 193, MedGen C0265223, MONDO:0008999, OMIM 216550.

Submission:

Labcorp Genetics (formerly Invitae), Labcorp
Classification: Pathogenic for Cohen syndrome. Last evaluated: 2024-07-08. Review status: criteria provided, single submitter. Criteria: Invitae Variant Classification Sherloc (09022015). Collection method: clinical testing. Allele origin: germline.
Comment: This sequence change creates a premature translational stop signal (p.Cys2404Valfs*11) in the VPS13B gene. It is expected to result in an absent or disrupted protein product. Loss-of-function variants in VPS13B are known to be pathogenic (PMID: 15141358, 16648375, 20461111). This variant is not present in population databases (gnomAD no frequency). This variant has not been reported in the literature in individuals affected with VPS13B-related conditions. ClinVar contains an entry for this variant (Variation ID: 1458830). For these reasons, this variant has been classified as Pathogenic.

Literature cited by the submitters: PubMed 15141358; PubMed 16648375; PubMed 20461111.